The following is an entry in ClinVar:

ClinVar aggregate classification (germline): Uncertain significance (1 of 4 stars; one submission).

Conditions:
Inborn genetic diseases. Identifiers: MedGen C0950123, MeSH D030342.

Submission:

Ambry Genetics
Classification: Uncertain significance for Inborn genetic diseases. Last evaluated: 2024-12-01. Review status: criteria provided, single submitter. Criteria: Ambry Variant Classification Scheme 2023. Collection method: clinical testing. Allele origin: germline.
Comment: The p.H961D variant (also known as c.2881C>G), located in coding exon 16 of the RECQL4 gene, results from a C to G substitution at nucleotide position 2881. The histidine at codon 961 is replaced by aspartic acid, an amino acid with similar properties. This amino acid position is conserved. Based on the available evidence, the clinical significance of this variant remains unclear.

NM_004260.4(RECQL4):c.2881C>G (p.His961Asp)

Gene: RECQL4 (RecQ like helicase 4; minus strand). Cytogenetic location: 8q24.3.
Variant type: single nucleotide variant.
Coding change: c.2881C>G on transcript NM_004260.4 (MANE Select); coding-DNA position 2881, C replaced by G.
Protein change: p.His961Asp; replaces histidine 961 with aspartic acid.
Molecular consequence: missense variant. On other transcripts: non-coding transcript variant (3).
Genome position (GRCh38, 1-based): chr8:144,512,646, G>C on the plus strand (C>G on the coding strand, the complement: RECQL4 is on the minus strand). VCF-style: chr8-144512646-G-C. GRCh37 (hg19) VCF-style: chr8-145738029-G-C.
Other names: c.2587C>G, p.His863Asp (NM_001413017.1); c.2683C>G, p.His895Asp (NM_001413018.1); c.2956C>G, p.His986Asp (NM_001413019.1); c.2785C>G, p.His929Asp (NM_001413020.1); c.1810C>G, p.His604Asp (NM_001413021.1, NM_001413022.1, NM_001413024.1 and 4 more transcripts); c.1885C>G, p.His629Asp (NM_001413023.1); c.2752C>G, p.His918Asp (NM_001413025.1); c.1744C>G, p.His582Asp (NM_001413027.1, NM_001413030.1, NM_001413032.1); and 9 more; short protein forms H538D, H629D, H863D, H918D, H961D, H560D, H594D, H844D.
Identifiers: ClinVar variation 3431903 (VCV003431903.1).